The following is an entry in ClinVar:

NM_199420.4(POLQ):c.6290C>A (p.Ala2097Glu)

Gene: POLQ (DNA polymerase theta; minus strand). Cytogenetic location: 3q13.33.
Variant type: single nucleotide variant.
Coding change: c.6290C>A on transcript NM_199420.4 (MANE Select); coding-DNA position 6290, C replaced by A.
Protein change: p.Ala2097Glu; replaces alanine 2097 with glutamic acid.
Molecular consequence: missense variant.
Genome position (GRCh38, 1-based): chr3:121,476,655, G>T on the plus strand (C>A on the coding strand, the complement: POLQ is on the minus strand). VCF-style: chr3-121476655-G-T. GRCh37 (hg19) VCF-style: chr3-121195502-G-T.
Other names: short protein forms A2097E.
Identifiers: ClinVar variation 2563853 (VCV002563853.2), dbSNP rs2546777212, ClinGen allele CA354087027.

ClinVar aggregate classification (germline): Uncertain significance (1 of 4 stars; one submission).

Submission:

Ambry Genetics
Classification: Uncertain significance. Last evaluated: 2023-05-18. Review status: criteria provided, single submitter. Criteria: Ambry Variant Classification Scheme 2023. Collection method: clinical testing. Allele origin: germline.
Comment: The p.A2097E variant (also known as c.6290C>A), located in coding exon 20 of the POLQ gene, results from a C to A substitution at nucleotide position 6290. The alanine at codon 2097 is replaced by glutamic acid, an amino acid with dissimilar properties. This amino acid position is conserved. In addition, this alteration is predicted to be tolerated by in silico analysis. Since supporting evidence is limited at this time, the clinical significance of this alteration remains unclear.